The following is an entry in ClinVar:

NM_015046.7(SETX):c.7610A>G (p.Gln2537Arg)

Gene: SETX (senataxin; minus strand). Cytogenetic location: 9q34.13.
Variant type: single nucleotide variant.
Coding change: c.7610A>G on transcript NM_015046.7 (MANE Select); coding-DNA position 7610, A replaced by G.
Protein change: p.Gln2537Arg; replaces glutamine 2537 with arginine.
Molecular consequence: missense variant.
Genome position (GRCh38, 1-based): chr9:132,264,663, T>C on the plus strand (A>G on the coding strand, the complement: SETX is on the minus strand). VCF-style: chr9-132264663-T-C. GRCh37 (hg19) VCF-style: chr9-135140050-T-C.
Other names: c.7610A>G, p.Gln2537Arg (NM_001351527.2); c.7697A>G, p.Gln2566Arg (NM_001351528.2); short protein forms Q2566R, Q2537R.
Identifiers: ClinVar variation 1489451 (VCV001489451.6), dbSNP rs2131113093, ClinGen allele CA375324342.
Genomic context (GRCh38, chr9:132,264,663, plus strand): 5'-TCCCAAAGGAATATTCCTCCTTTGACCTCAATGCCCATCCTCTTCAGCAGTCGTGGGTCC[T>C]GAAGTTGGTCATGAACAGGAGGTCTTTCAGGGTCCTTTGAAGTAACAGTAAGAGTAATTT-3'
Protein context (NP_055861.3, residues 2527-2547): PERPPVHDQL[Gln2537Arg]DPRLLKRMGI

ClinVar aggregate classification (germline): Uncertain significance (1 of 4 stars; one submission).

Conditions:
Spinocerebellar ataxia, autosomal recessive, with axonal neuropathy 2 (SCAN2). Also called: ATAXIA-OCULOMOTOR APRAXIA 2; Ataxia-ocular apraxia-2; Ataxia with Oculomotor Apraxia Type 2; Ataxia with Oculomotor Apraxia. Identifiers: Orphanet 64753, MedGen C1853761, MONDO:0018996, OMIM 606002.
Amyotrophic lateral sclerosis type 4 (ALS4). Also called: AMYOTROPHIC LATERAL SCLEROSIS 4, JUVENILE; NEURONOPATHY, DISTAL HEREDITARY MOTOR, WITH PYRAMIDAL FEATURES. Identifiers: Orphanet 357043, MedGen C1865409, MONDO:0011223, OMIM 602433.

Submission:

Labcorp Genetics (formerly Invitae), Labcorp
Classification: Uncertain significance for Amyotrophic lateral sclerosis type 4; Spinocerebellar ataxia, autosomal recessive, with axonal neuropathy 2. Last evaluated: 2024-07-01. Review status: criteria provided, single submitter. Criteria: Invitae Variant Classification Sherloc (09022015). Collection method: clinical testing. Allele origin: germline.
Comment: This sequence change replaces glutamine, which is neutral and polar, with arginine, which is basic and polar, at codon 2537 of the SETX protein (p.Gln2537Arg). This variant is not present in population databases (gnomAD no frequency). This variant has not been reported in the literature in individuals affected with SETX-related conditions. ClinVar contains an entry for this variant (Variation ID: 1489451). Advanced modeling of protein sequence and biophysical properties (such as structural, functional, and spatial information, amino acid conservation, physicochemical variation, residue mobility, and thermodynamic stability) performed at Invitae indicates that this missense variant is not expected to disrupt SETX protein function with a negative predictive value of 95%. In summary, the available evidence is currently insufficient to determine the role of this variant in disease. Therefore, it has been classified as a Variant of Uncertain Significance.